The following is an entry in ClinVar:

ClinVar aggregate classification (germline): Benign. Review status: criteria provided, single submitter (1 of 4 stars). 2 submissions from 2 submitters: Benign (1). 1 of the submissions does not count toward it. Last evaluated 2025-06-15.

Conditions:
EP300-related disorder. Also called: EP300-related condition; EP300-related disorders.
Rubinstein-Taybi syndrome due to EP300 haploinsufficiency. Also called: EP300-Related Rubinstein-Taybi Syndrome; RUBINSTEIN-TAYBI SYNDROME 2. Identifiers: Orphanet 353284, Orphanet 783, MedGen C3150941, MONDO:0013364, OMIM 613684.

gnomAD v4.1: 8 of 1,614,122 alleles (0.0005%); highest among the groups gnomAD compares: African/African-American, 0.0093%; no homozygotes.

Submissions (2):

Labcorp Genetics (formerly Invitae), Labcorp
Classification: Benign for Rubinstein-Taybi syndrome due to EP300 haploinsufficiency. Last evaluated: 2025-06-15. Review status: criteria provided, single submitter. Criteria: Invitae Variant Classification Sherloc (09022015). Collection method: clinical testing. Allele origin: germline.

PreventionGenetics, part of Exact Sciences
Classification: Likely benign for EP300-related condition. Last evaluated: 2024-05-29. Review status: no assertion criteria provided. Collection method: clinical testing. Allele origin: germline. Not counted in ClinVar's aggregate classification.
Comment: This variant is classified as likely benign based on ACMG/AMP sequence variant interpretation guidelines (Richards et al. 2015 PMID: 25741868, with internal and published modifications).

NM_001429.4(EP300):c.222A>T (p.Ala74=)

Gene: EP300 (EP300 lysine acetyltransferase; plus strand). Cytogenetic location: 22q13.2.
Variant type: single nucleotide variant.
Coding change: c.222A>T on transcript NM_001429.4 (MANE Select); coding-DNA position 222, A replaced by T.
Protein change: p.Ala74=; no amino-acid change (alanine 74 retained).
Molecular consequence: synonymous variant.
Genome position (GRCh38, 1-based): chr22:41,117,314, A>T. VCF-style: chr22-41117314-A-T. GRCh37 (hg19) VCF-style: chr22-41513318-A-T.
Other names: c.222A>T, p.Ala74= (NM_001362843.2).
Identifiers: ClinVar variation 3348424 (VCV003348424.3).